The following is an entry in ClinVar:

NM_198239.2(CCN6):c.737T>C (p.Leu246Pro)

Gene: CCN6 (cellular communication network factor 6; plus strand). Cytogenetic location: 6q21.
Variant type: single nucleotide variant.
Coding change: c.737T>C on transcript NM_198239.2 (MANE Select); coding-DNA position 737, T replaced by C.
Protein change: p.Leu246Pro; replaces leucine 246 with proline.
Molecular consequence: missense variant. On other transcripts: non-coding transcript variant (2).
Genome position (GRCh38, 1-based): chr6:112,068,352, T>C. VCF-style: chr6-112068352-T-C. GRCh37 (hg19) VCF-style: chr6-112389555-T-C.
Other names: c.737T>C, p.Leu246Pro (NM_003880.4); short protein forms L246P.
Identifiers: ClinVar variation 3233835 (VCV003233835.4), dbSNP rs2546929180, ClinGen allele CA365375196.
Genomic context (GRCh38, chr6:112,068,352, plus strand): 5'-GAATATCTAACAGGGTGACCAATGAAAACAGCAACTGTGAAATGAGAAAAGAGAAAAGAC[T>C]GTGTTACATTCAGCCTTGCGACAGCAATATATTAAAGACAATAAAGGTAAAGTTTAAATA-3'
Protein context (NP_937882.2, residues 236-256): SNCEMRKEKR[Leu246Pro]CYIQPCDSNI

ClinVar aggregate classification (germline): Likely pathogenic (1 of 4 stars; one submission).

Conditions:
Progressive pseudorheumatoid dysplasia (PPRD). Also called: Progressive Pseudorheumatoid Arthropathy of Childhood; SPONDYLOEPIPHYSEAL DYSPLASIA TARDA WITH PROGRESSIVE ARTHROPATHY. Identifiers: Orphanet 1159, MedGen C0432215, MONDO:0008827, OMIM 208230. Disease mechanism: loss of function.

Submission:

Women's Health and Genetics/Laboratory Corporation of America, LabCorp
Classification: Likely pathogenic for Progressive pseudorheumatoid dysplasia. Last evaluated: 2024-03-21. Review status: criteria provided, single submitter. Criteria: LabCorp Variant Classification Summary - May 2015. Collection method: clinical testing. Allele origin: germline.
Comment: Variant summary: CCN6 c.737T>C (p.Leu246Pro) results in a non-conservative amino acid change located in the CCN, TSP1 domain (IPR043973) of the encoded protein sequence. Five of five in-silico tools predict a damaging effect of the variant on protein function. The variant was absent in 250872 control chromosomes. c.737T>C has been reported in the literature in homozygous individuals affected with Progressive Pseudorheumatoid Dysplasia (e.g. Dessouki_2023, UludagAlkaya_2022). These data indicate that the variant is likely to be associated with disease. To our knowledge, no experimental evidence demonstrating an impact on protein function has been reported. The following publications have been ascertained in the context of this evaluation (PMID: 37377052, 34919662). No submitters have cited clinical-significance assessments for this variant to ClinVar. Based on the evidence outlined above, the variant was classified as likely pathogenic.

Literature cited by the submitters: PubMed 37377052; PubMed 34919662.